The following is an entry in ClinVar:

ClinVar aggregate classification (germline): Uncertain significance (1 of 4 stars; one submission).

Allele frequency attached by ClinVar (database versions not stated): gnomAD exomes below 0.00001; TOPMed below 0.00001; gnomAD 0.00001.
gnomAD v4.1: 3 of 1,610,856 alleles (0.00019%); highest among the groups gnomAD compares: Admixed American, 0.0017%; no homozygotes.

Submission:

Labcorp Genetics (formerly Invitae), Labcorp
Classification: Uncertain significance. Last evaluated: 2022-06-20. Review status: criteria provided, single submitter. Criteria: Invitae Variant Classification Sherloc (09022015). Collection method: clinical testing. Allele origin: germline.
Comment: In summary, the available evidence is currently insufficient to determine the role of this variant in disease. Therefore, it has been classified as a Variant of Uncertain Significance. Algorithms developed to predict the effect of missense changes on protein structure and function (SIFT, PolyPhen-2, Align-GVGD) all suggest that this variant is likely to be disruptive. This variant has not been reported in the literature in individuals affected with KIAA0753-related conditions. This variant is not present in population databases (gnomAD no frequency). This sequence change replaces glutamine, which is neutral and polar, with proline, which is neutral and non-polar, at codon 366 of the KIAA0753 protein (p.Gln366Pro).

NM_014804.3(KIAA0753):c.1097A>C (p.Gln366Pro)

Gene: KIAA0753 (KIAA0753; minus strand). Cytogenetic location: 17p13.1.
Variant type: single nucleotide variant.
Coding change: c.1097A>C on transcript NM_014804.3 (MANE Select); coding-DNA position 1097, A replaced by C.
Protein change: p.Gln366Pro; replaces glutamine 366 with proline.
Molecular consequence: missense variant. On other transcripts: non-coding transcript variant (3).
Genome position (GRCh38, 1-based): chr17:6,622,889, T>G on the plus strand (A>C on the coding strand, the complement: KIAA0753 is on the minus strand). VCF-style: chr17-6622889-T-G. GRCh37 (hg19) VCF-style: chr17-6526209-T-G.
Other names: c.200A>C, p.Gln67Pro (NM_001351225.2); short protein forms Q366P, Q67P.
Identifiers: ClinVar variation 1463996 (VCV001463996.7), dbSNP rs1971420036, ClinGen allele CA397412702.